The following is an entry in ClinVar:

ClinVar aggregate classification (germline): Uncertain significance. Review status: criteria provided, single submitter (1 of 4 stars). 2 submissions from 2 submitters: Uncertain significance (1). 1 of the submissions does not count toward it. Last evaluated 2026-03-27.

Conditions:
Cardiovascular phenotype. Identifiers: MedGen CN230736.

Submissions (2):

Molecular Diagnostic Laboratory for Inherited Cardiovascular Disease, Montreal Heart Institute
Classification: Uncertain significance for Cardiovascular phenotype. Last evaluated: 2026-03-27. Review status: criteria provided, single submitter. Criteria: ACMG Guidelines, 2015. Collection method: clinical testing. Allele origin: germline. Affected: yes.
Comment: PM2, PP2, PP3

Laboratory for Molecular Medicine, Mass General Brigham Personalized Medicine
Classification: Uncertain significance. Last evaluated: 2008-11-25. Review status: no assertion criteria provided. Collection method: clinical testing. Allele origin: germline. Observed: 1 variant allele. Not counted in ClinVar's aggregate classification.

NM_001613.4(ACTA2):c.338A>C (p.Asn113Thr)

Gene: ACTA2 (actin alpha 2, smooth muscle; minus strand). Cytogenetic location: 10q23.31.
Variant type: single nucleotide variant.
Coding change: c.338A>C on transcript NM_001613.4 (MANE Select); coding-DNA position 338, A replaced by C.
Protein change: p.Asn113Thr; replaces asparagine 113 with threonine.
Molecular consequence: missense variant.
Genome position (GRCh38, 1-based): chr10:88,943,828, T>G on the plus strand (A>C on the coding strand, the complement: ACTA2 is on the minus strand). VCF-style: chr10-88943828-T-G. GRCh37 (hg19) VCF-style: chr10-90703585-T-G.
Other names: c.338A>C, p.Asn113Thr (NM_001141945.3, NM_001320855.2, NM_001406462.1 and 3 more transcripts); c.209A>C, p.Asn70Thr (NM_001406467.1, NM_001406468.1, NM_001406469.1); short protein forms N113T, N70T.
Identifiers: ClinVar variation 44214 (VCV000044214.6), dbSNP rs397516680, ClinGen allele CA006891.